The following is an entry in ClinVar:

NM_012082.4(ZFPM2):c.1720C>T (p.Arg574Ter)

Genes: ZFPM2 (zinc finger protein, FOG family member 2; plus strand), ZFPM2-AS1 (ZFPM2 antisense RNA 1; minus strand). Cytogenetic location: 8q23.1.
Variant type: single nucleotide variant.
Coding change: c.1720C>T on transcript NM_012082.4 (MANE Select); coding-DNA position 1720, C replaced by T.
Protein change: p.Arg574Ter; replaces arginine 574 with a stop codon.
Molecular consequence: nonsense.
Genome position (GRCh38, 1-based): chr8:105,801,802, C>T. VCF-style: chr8-105801802-C-T. GRCh37 (hg19) VCF-style: chr8-106814030-C-T.
Other names: c.1561C>T, p.Arg521Ter (NM_001362836.2); c.1324C>T, p.Arg442Ter (NM_001362837.2); short protein forms R574*, R521*, R442*.
Identifiers: ClinVar variation 4056342 (VCV004056342.1).

ClinVar aggregate classification (germline): Uncertain significance (1 of 4 stars; one submission).

Conditions:
Diaphragmatic hernia 3 (DIH3). Identifiers: Orphanet 2140, MedGen C1857781, MONDO:0012431, OMIM 610187.

gnomAD v4.1: 2 of 1,613,894 alleles (0.00012%); highest among the groups gnomAD compares: Non-Finnish European, 0.00017%; no homozygotes.

Submission:

Institute of Human Genetics, University of Leipzig Medical Center
Classification: Uncertain significance for Diaphragmatic hernia 3. Last evaluated: 2025-06-10. Review status: criteria provided, single submitter. Criteria: ACMG Guidelines, 2015. Collection method: clinical testing. Allele origin: paternal. Inheritance: Autosomal dominant inheritance. Affected: yes.
Comment: Criteria applied: PVS1_STR,PM2_SUP